The following is an entry in ClinVar:

ClinVar aggregate classification (germline): Pathogenic/Likely pathogenic. Review status: criteria provided, multiple submitters, no conflicts (2 of 4 stars). 14 submissions from 13 submitters: Pathogenic (9); Likely pathogenic (3). 2 of the submissions do not count toward it. Last evaluated 2026-06-29.

Conditions:
POMT2-related disorder. Also called: POMT2-related condition.
Muscular dystrophy. Identifiers: Orphanet 98473, MedGen C0026850, MeSH D009136, MONDO:0020121, HP:0003560.
Autosomal recessive limb-girdle muscular dystrophy type 2N. Also called: MUSCULAR DYSTROPHY-DYSTROGLYCANOPATHY, LIMB-GIRDLE, POMT2-RELATED; Muscular dystrophy-dystroglycanopathy (limb-girdle), type C, 2. Identifiers: Orphanet 206559, MedGen C3150418, MONDO:0013162, OMIM 613158.
Muscular dystrophy-dystroglycanopathy (congenital with brain and eye anomalies), type A2. Also called: WALKER-WARBURG SYNDROME OR MUSCLE-EYE-BRAIN DISEASE, POMT2-RELATED; MUSCULAR DYSTROPHY-DYSTROGLYCANOPATHY (CONGENITAL WITH BRAIN AND EYE ANOMALIES), TYPE A, 2. Identifiers: Orphanet 588, Orphanet 899, MedGen C3150411, MONDO:0013154, OMIM 613150.
Muscular dystrophy-dystroglycanopathy (congenital with impaired intellectual development), type B, 2. Also called: MUSCULAR DYSTROPHY, CONGENITAL, POMT2-RELATED; Muscular dystrophy-dystroglycanopathy (congenital with intellectual disability), type B2. Identifiers: MedGen C3150416, MONDO:0013160, OMIM 613156.

Allele frequency attached by ClinVar (database versions not stated): gnomAD 0.00009 and 0.00010; TOPMed 0.00009; ESP Exome Variant Server 0.00008; gnomAD exomes 0.00006 and 0.00009; ExAC 0.00004.
gnomAD v4.1: 152 of 1,613,574 alleles (0.0094%); highest among the groups gnomAD compares: Non-Finnish European, 0.012%; no homozygotes.

Submissions (14):

PreventionGenetics, part of Exact Sciences
Classification: Pathogenic for POMT2-related condition. Last evaluated: 2026-06-29. Review status: criteria provided, single submitter. Criteria: ACMG Guidelines, 2015. Collection method: clinical testing. Allele origin: germline.
Comment: The POMT2 c.1997A>G variant is predicted to result in the amino acid substitution p.Tyr666Cys. This variant has been reported in the homozygous or compound heterozygous state in many individuals with POMT2-related disorders (Yanagisawa et al. 2007. PubMed ID: 17634419; Godfrey et al. 2007. PubMed ID: 17878207; Martinez et al. 2013. PubMed ID: 24002165; Østergaard et al. 2017. PubMed ID: 29175898; Westra et al. 2019. PubMed ID: 31127727; Saat et al. 2021. PubMed ID: 33963534; Punetha et al. 2016. PubMed ID: 27854218). This variant is reported in 0.016% of alleles in individuals of African descent in gnomAD. This variant is interpreted as pathogenic.

Genesolutions, Medical Genetics Institutes, Ho Chi Minh City, Vietnam
Classification: Likely pathogenic for Muscular dystrophy-dystroglycanopathy (congenital with impaired intellectual development), type B, 2. Last evaluated: 2025-09-24. Review status: criteria provided, single submitter. Criteria: ACMG Guidelines, 2015. Collection method: clinical testing. Allele origin: germline. Affected: yes.

GeneDx
Classification: Pathogenic. Last evaluated: 2025-07-15. Review status: criteria provided, single submitter. Criteria: GeneDx Variant Classification Process June 2021. Collection method: clinical testing. Allele origin: germline. Affected: yes.
Comment: Observed in homozygous state or with another POMT2 variant on the opposite allele (in trans) in multiple unrelated patients with clinical features of POMT2-related disorders in published literature (PMID: 17878207, 17869517, 19299310, 24002165, 27854218, 28980384, 29175898, 17634419, 19138766); Not observed at a significant frequency in large population cohorts (gnomAD); In silico analysis supports that this missense variant has a deleterious effect on protein structure/function; This variant is associated with the following publications: (PMID: 17634419, 30060766, 24002165, 19299310, 28980384, 29175898, 17878207, 19138766, 17869517, 27854218, 32115343, 31127727, 33963534, 31589614, 32528171, 38178268, 37087885, 35032046)

Labcorp Genetics (formerly Invitae), Labcorp
Classification: Pathogenic for Muscular dystrophy-dystroglycanopathy (congenital with impaired intellectual development), type B, 2; Muscular dystrophy-dystroglycanopathy (congenital with brain and eye anomalies), type A2; Autosomal recessive limb-girdle muscular dystrophy type 2N. Last evaluated: 2024-09-23. Review status: criteria provided, single submitter. Criteria: Invitae Variant Classification Sherloc (09022015). Collection method: clinical testing. Allele origin: germline.
Comment: This sequence change replaces tyrosine, which is neutral and polar, with cysteine, which is neutral and slightly polar, at codon 666 of the POMT2 protein (p.Tyr666Cys). This variant is present in population databases (rs200198778, gnomAD 0.02%). This missense change has been observed in individuals with congenital muscular dystrophy (PMID: 17634419, 17878297, 24002165). It has also been observed to segregate with disease in related individuals. ClinVar contains an entry for this variant (Variation ID: 3221). Invitae Evidence Modeling of protein sequence and biophysical properties (such as structural, functional, and spatial information, amino acid conservation, physicochemical variation, residue mobility, and thermodynamic stability) indicates that this missense variant is expected to disrupt POMT2 protein function with a positive predictive value of 80%. For these reasons, this variant has been classified as Pathogenic.

Blueprint Genetics
Classification: Pathogenic for POMT2-related disorders. Last evaluated: 2024-08-29. Review status: criteria provided, single submitter. Criteria: ACMG Guidelines, 2015. Collection method: clinical testing. Allele origin: germline. Affected: yes. Observed: 5 variant alleles.

Fulgent Genetics
Classification: Pathogenic for Muscular dystrophy-dystroglycanopathy (congenital with brain and eye anomalies), type A2; Muscular dystrophy-dystroglycanopathy (congenital with impaired intellectual development), type B, 2; Autosomal recessive limb-girdle muscular dystrophy type 2N. Last evaluated: 2024-04-16. Review status: criteria provided, single submitter. Criteria: ACMG Guidelines, 2015. Collection method: clinical testing. Allele origin: germline.

Baylor Genetics
Classification: Pathogenic for Muscular dystrophy-dystroglycanopathy (congenital with brain and eye anomalies), type A2. Last evaluated: 2024-03-30. Review status: criteria provided, single submitter. Criteria: ACMG Guidelines, 2015. Collection method: clinical testing. Allele origin: unknown.

Revvity Omics, Revvity
Classification: Pathogenic. Last evaluated: 2022-05-26. Review status: criteria provided, single submitter. Criteria: ACMG Guidelines, 2015. Collection method: clinical testing. Allele origin: germline.

SIB Swiss Institute of Bioinformatics
Classification: Likely pathogenic for Muscular dystrophy-dystroglycanopathy (congenital with impaired intellectual development), type B, 2. Last evaluated: 2018-05-31. Review status: criteria provided, single submitter. Criteria: ACMG Guidelines, 2015. Collection method: curation. Allele origin: unknown.
Comment: This variant is interpreted as a Likely Pathogenic, for Muscular dystrophy-dystroglycanopathy (congenital with mental retardation), type B, 2, in Autosomal Recessive manner. The following ACMG Tag(s) were applied: PP3 => Multiple lines of computational evidence support a deleterious effect on the gene or gene product. PM3 => For recessive disorders, detected in trans with a pathogenic variant (PMID:17634419,19138766). PP1 => Cosegregation with disease in multiple affected family members in a gene definitively known to cause the disease (PMID:17878207). PM2 => Absent from controls (or at extremely low frequency if recessive) in Exome Sequencing Project, 1000 Genomes Project, or Exome Aggregation Consortium. PS4-Moderate => Found in multiple unrelated patients (PMID:17878207,17634419,19138766,19299310).

Eurofins Ntd Llc (ga)
Classification: Pathogenic. Last evaluated: 2017-01-15. Review status: criteria provided, single submitter. Criteria: EGL Classification Definitions. Collection method: clinical testing. Allele origin: germline. Observed: 8 variant alleles, 6 heterozygotes, 2 homozygotes.

Center for Genetic Medicine Research, Children's National Medical Center
Classification: Likely pathogenic for Muscular dystrophy-dystroglycanopathy (congenital with impaired intellectual development), type B, 2. Last evaluated: 2015-12-01. Review status: criteria provided, single submitter. Criteria: Punetha et al. (J Neuromuscul Dis. 2016). Collection method: research. Allele origin: unknown. Affected: yes.

Genetic Services Laboratory, University of Chicago
Classification: Pathogenic for Muscular dystrophy. Last evaluated: 2015-07-01. Review status: criteria provided, single submitter. Criteria: ACMG Guidelines, 2015. Collection method: clinical testing. Allele origin: germline. Affected: yes.

OMIM
Classification: Pathogenic for MUSCULAR DYSTROPHY-DYSTROGLYCANOPATHY (CONGENITAL WITH IMPAIRED INTELLECTUAL DEVELOPMENT), TYPE B, 2. Last evaluated: 2009-07-01. Review status: no assertion criteria provided. Collection method: literature only. Allele origin: germline. Not counted in ClinVar's aggregate classification.

OMIM
Classification: Pathogenic for MUSCULAR DYSTROPHY-DYSTROGLYCANOPATHY (CONGENITAL WITH BRAIN AND EYE ANOMALIES), TYPE A, 2. Last evaluated: 2009-07-01. Review status: no assertion criteria provided. Collection method: literature only. Allele origin: germline. Not counted in ClinVar's aggregate classification.

Literature cited by the submitters: PubMed 17634419 (cited by 3 submitters); PubMed 17878297 (cited by Labcorp Genetics (formerly Invitae), Labcorp); PubMed 24002165 (cited by Labcorp Genetics (formerly Invitae), Labcorp); PubMed 19138766 (cited by SIB Swiss Institute of Bioinformatics and OMIM); PubMed 17878207 (cited by SIB Swiss Institute of Bioinformatics and OMIM); PubMed 19299310 (cited by SIB Swiss Institute of Bioinformatics and OMIM).

NM_013382.7(POMT2):c.1997A>G (p.Tyr666Cys)

Gene: POMT2 (protein O-mannosyltransferase 2; minus strand). Cytogenetic location: 14q24.3.
Variant type: single nucleotide variant.
Coding change: c.1997A>G on transcript NM_013382.7 (MANE Select); coding-DNA position 1997, A replaced by G.
Protein change: p.Tyr666Cys; replaces tyrosine 666 with cysteine.
Molecular consequence: missense variant.
Genome position (GRCh38, 1-based): chr14:77,278,764, T>C on the plus strand (A>G on the coding strand, the complement: POMT2 is on the minus strand). VCF-style: chr14-77278764-T-C. GRCh37 (hg19) VCF-style: chr14-77745107-T-C.
Other names: Y666C; p.Y666C:TAC>TGC; NM_013382.5(POMT2):c.1997A>G(p.Tyr666Cys).
Identifiers: ClinVar variation 3221 (VCV000003221.37), dbSNP rs200198778, ClinGen allele CA116093.
Genomic context (GRCh38, chr14:77,278,764, plus strand): 5'-CCAAGTCCAGGTGGGTGGCACTGACCTGTCAACATGCTTGAGAAGAGCATGGCTGGGAAG[T>C]AGTGGTGGAAGTAGAGGACCCGGCCCATCAGGAAAAACGGGAAGTAATGGAGTGTCCAGC-3'
Protein context (NP_037514.2, residues 656-676): LMGRVLYFHH[Tyr666Cys]FPAMLFSSML